The following is an entry in ClinVar:

NM_000337.6(SGCD):c.47G>A (p.Gly16Asp)

Gene: SGCD (sarcoglycan delta; plus strand). Cytogenetic location: 5q33.3.
Variant type: single nucleotide variant.
Coding change: c.47G>A on transcript NM_000337.6 (MANE Select); coding-DNA position 47, G replaced by A.
Protein change: p.Gly16Asp; replaces glycine 16 with aspartic acid.
Molecular consequence: missense variant.
Genome position (GRCh38, 1-based): chr5:156,344,532, G>A. VCF-style: chr5-156344532-G-A. GRCh37 (hg19) VCF-style: chr5-155771542-G-A.
Other names: c.44G>A, p.Gly15Asp (NM_001128209.2); c.47G>A, p.Gly16Asp (NM_172244.3); short protein forms G16D, G15D.
Identifiers: ClinVar variation 1936776 (VCV001936776.5), dbSNP rs2481652598, ClinGen allele CA362007591.

ClinVar aggregate classification (germline): Uncertain significance (1 of 4 stars; one submission).

Conditions:
Autosomal recessive limb-girdle muscular dystrophy type 2F (LGMDR6). Also called: Muscular dystrophy limb-girdle with delta-sarcoglyan deficiency; MUSCULAR DYSTROPHY, LIMB-GIRDLE, AUTOSOMAL RECESSIVE 6. Identifiers: Orphanet 219, MedGen C1832525, MONDO:0011028, OMIM 601287. Disease mechanism: Affects gamma-sarcoglycan and also disrupts the integrity of the entire sarcoglycan complex..

Submission:

Labcorp Genetics (formerly Invitae), Labcorp
Classification: Uncertain significance for Autosomal recessive limb-girdle muscular dystrophy type 2F. Last evaluated: 2022-05-13. Review status: criteria provided, single submitter. Criteria: Invitae Variant Classification Sherloc (09022015). Collection method: clinical testing. Allele origin: germline.
Comment: In summary, the available evidence is currently insufficient to determine the role of this variant in disease. Therefore, it has been classified as a Variant of Uncertain Significance. Algorithms developed to predict the effect of missense changes on protein structure and function (SIFT, PolyPhen-2, Align-GVGD) all suggest that this variant is likely to be tolerated. This variant has not been reported in the literature in individuals affected with SGCD-related conditions. This variant is not present in population databases (gnomAD no frequency). This sequence change replaces glycine, which is neutral and non-polar, with aspartic acid, which is acidic and polar, at codon 16 of the SGCD protein (p.Gly16Asp).